The following is an entry in ClinVar:

ClinVar aggregate classification (germline): Uncertain significance (1 of 4 stars; one submission).

Conditions:
Inborn genetic diseases. Identifiers: MedGen C0950123, MeSH D030342.

Allele frequency attached by ClinVar (database versions not stated): gnomAD exomes below 0.00001.
gnomAD v4.1: 1 of 1,613,316 alleles (0.000062%); highest among the groups gnomAD compares: East Asian, 0.0022%; no homozygotes.

Submission:

Ambry Genetics
Classification: Uncertain significance for Inborn genetic diseases. Last evaluated: 2019-11-12. Review status: criteria provided, single submitter. Criteria: Ambry Variant Classification Scheme 2023. Collection method: clinical testing. Allele origin: germline.
Comment: The p.V135I variant (also known as c.403G>A), located in coding exon 5 of the VAPB gene, results from a G to A substitution at nucleotide position 403. The valine at codon 135 is replaced by isoleucine, an amino acid with highly similar properties. This amino acid position is not well conserved in available vertebrate species. In addition, this alteration is predicted to be tolerated by in silico analysis. Since supporting evidence is limited at this time, the clinical significance of this alteration remains unclear.

NM_004738.5(VAPB):c.403G>A (p.Val135Ile)

Gene: VAPB (VAMP associated protein B and C; plus strand). Cytogenetic location: 20q13.32.
Variant type: single nucleotide variant.
Coding change: c.403G>A on transcript NM_004738.5 (MANE Select); coding-DNA position 403, G replaced by A.
Protein change: p.Val135Ile; replaces valine 135 with isoleucine.
Molecular consequence: missense variant. On other transcripts: non-coding transcript variant (1), intron variant (1).
Genome position (GRCh38, 1-based): chr20:58,440,913, G>A. VCF-style: chr20-58440913-G-A. GRCh37 (hg19) VCF-style: chr20-57015969-G-A.
Other names: c.212-3164G>A (NM_001195677.2); short protein forms V135I.
Identifiers: ClinVar variation 1737271 (VCV001737271.2), dbSNP rs1989144866, ClinGen allele CA409439513.
Genomic context (GRCh38, chr20:58,440,913, plus strand): 5'-AAGTCCATTATTACATGGTCGGTGACACTTAGGCTTTCATTTGTTTTTGAACAGCATGAT[G>A]TAGAAATAAATAAAATTATATCCACAACTGCATCAAAGACAGAAACACCAATAGTGTCTA-3'
Protein context (NP_004729.1, residues 125-145): LPAENDKPHD[Val135Ile]EINKIISTTA